The following is an entry in ClinVar:

ClinVar aggregate classification (germline): Uncertain significance. Review status: criteria provided, multiple submitters, no conflicts (2 of 4 stars). 4 submissions from 4 submitters: Uncertain significance (4). Last evaluated 2023-06-02.

Conditions:
TTN-related disorder. Also called: TTN-related disorders; TTN-related condition; TTN-related disease.
Autosomal recessive limb-girdle muscular dystrophy type 2J (LGMDR10). Also called: Limb-girdle muscular dystrophy, type 2J; MUSCULAR DYSTROPHY, LIMB-GIRDLE, AUTOSOMAL RECESSIVE 10. Identifiers: Orphanet 140922, MedGen C1837342, MONDO:0012127, OMIM 608807.
Dilated cardiomyopathy 1G (CMD1G). Identifiers: Orphanet 154, MedGen C1858763, MONDO:0011400, OMIM 604145.
Myopathy, myofibrillar, 9, with early respiratory failure (MFM9). Also called: EDSTROM MYOPATHY; MYOPATHY, PROXIMAL, WITH EARLY RESPIRATORY MUSCLE INVOLVEMENT; Hereditary myopathy with early respiratory failure; Myopathy, distal, with early respiratory failure, autosomal dominant. Identifiers: Orphanet 178464, Orphanet 34521, MedGen C1863599, MONDO:0011362, OMIM 603689.
Hypertrophic cardiomyopathy 9. Also called: Familial hypertrophic cardiomyopathy 9. Identifiers: MedGen C1861065, MONDO:0013412, OMIM 613765.
Early-onset myopathy with fatal cardiomyopathy (CMYO5). Also called: Salih Myopathy; CONGENITAL MYOPATHY 5 WITH CARDIOMYOPATHY. Identifiers: Orphanet 289377, MedGen C2673677, MONDO:0012714, OMIM 611705. Disease mechanism: loss of function.
Tibial muscular dystrophy (TMD). Also called: UDD MYOPATHY; Tibial muscular dystrophy, tardive; Udd Distal Myopathy – Tibial Muscular Dystrophy. Identifiers: Orphanet 609, MedGen C1838244, MONDO:0010870, OMIM 600334.

Allele frequency attached by ClinVar (database versions not stated): ExAC 0.00001; gnomAD 0.00001; gnomAD exomes 0.00001; TOPMed 0.00002; ESP Exome Variant Server 0.00008.
gnomAD v4.1: 6 of 1,613,930 alleles (0.00037%); highest among the groups gnomAD compares: Non-Finnish European, 0.00051%; no homozygotes.

Submissions (4):

PreventionGenetics, part of Exact Sciences
Classification: Uncertain significance for TTN-related condition. Last evaluated: 2023-06-02. Review status: criteria provided, single submitter. Criteria: ACMG Guidelines, 2015. Collection method: clinical testing. Allele origin: germline.
Comment: The TTN c.4700T>C variant is predicted to result in the amino acid substitution p.Ile1567Thr. To our knowledge, this variant has not been reported in the literature. This variant is reported in 0.0018% of alleles in individuals of European (Non-Finnish) descent in gnomAD. At this time, the clinical significance of this variant is uncertain due to the absence of conclusive functional and genetic evidence.

Revvity Omics, Revvity
Classification: Uncertain significance. Last evaluated: 2022-11-07. Review status: criteria provided, single submitter. Criteria: ACMG Guidelines, 2015. Collection method: clinical testing. Allele origin: germline.

Fulgent Genetics
Classification: Uncertain significance for Tibial muscular dystrophy; Myopathy, myofibrillar, 9, with early respiratory failure; Dilated cardiomyopathy 1G; Autosomal recessive limb-girdle muscular dystrophy type 2J; Early-onset myopathy with fatal cardiomyopathy; Hypertrophic cardiomyopathy 9. Last evaluated: 2021-07-22. Review status: criteria provided, single submitter. Criteria: ACMG Guidelines, 2015. Collection method: clinical testing. Allele origin: unknown.

Labcorp Genetics (formerly Invitae), Labcorp
Classification: Uncertain significance for Dilated cardiomyopathy 1G; Autosomal recessive limb-girdle muscular dystrophy type 2J. Last evaluated: 2017-09-09. Review status: criteria provided, single submitter. Criteria: Invitae Variant Classification Sherloc (09022015). Collection method: clinical testing. Allele origin: germline.

NM_001267550.2(TTN):c.4700T>C (p.Ile1567Thr)

Genes: TTN (titin; minus strand), LOC101927055 (uncharacterized LOC101927055; plus strand). Cytogenetic location: 2q31.2.
Variant type: single nucleotide variant.
Coding change: c.4700T>C on transcript NM_001267550.2 (MANE Select); coding-DNA position 4700, T replaced by C.
Protein change: p.Ile1567Thr; replaces isoleucine 1567 with threonine.
Molecular consequence: missense variant. On other transcripts: non-coding transcript variant (1).
Genome position (GRCh38, 1-based): chr2:178,777,263, A>G on the plus strand (T>C on the coding strand, the complement: TTN is on the minus strand). VCF-style: chr2-178777263-A-G. GRCh37 (hg19) VCF-style: chr2-179641990-A-G.
Other names: c.4700T>C, p.Ile1567Thr (NM_133378.4, NM_001256850.1, NM_133379.5); c.4700T>C (NM_133379.4); c.4562T>C, p.Ile1521Thr (NM_003319.4, NM_133432.3, NM_133437.4); short protein forms I1567T, I1521T.
Identifiers: ClinVar variation 440979 (VCV000440979.9), dbSNP rs145957227, ClinGen allele CA2005278.
Genomic context (GRCh38, chr2:178,777,263, plus strand): 5'-ATGTCAGGGTTGGGGTTACCCGTAGCTCTGACTTTCATTTCAAGTCGGGAACCTTCCTTT[A>G]TATTGACATTTTTCAGTTTTTCTACAAACATCGGTTTTACCTGATGTTCCACAGCTGAAA-3'
Protein context (NP_001254479.2, residues 1557-1577): MFVEKLKNVN[Ile1567Thr]KEGSRLEMKV